The following is an entry in ClinVar:

ClinVar aggregate classification (germline): Uncertain significance. Review status: criteria provided, multiple submitters, no conflicts (2 of 4 stars). 7 submissions from 7 submitters: Uncertain significance (6). 1 of the submissions does not count toward it. Last evaluated 2025-12-04.

Conditions:
Peroxisome biogenesis disorder. Identifiers: Orphanet 79189, MedGen C1832200, MONDO:0019234. Disease mechanism: loss of function.
PEX1-related disorder. Also called: PEX1-related condition.
Zellweger spectrum disorders (ZS). Also called: Zellweger syndrome; Zellweger Spectrum Disorder (ZSD); Zellweger Spectrum Disorder; Zellweger Spectrum. Identifiers: Orphanet 912, MedGen C0043459, MONDO:0019609.
Peroxisome biogenesis disorder 1B (PBD1B). Also called: Refsum disease, infantile form; PEROXISOME BIOGENESIS DISORDER (NEONATAL ADRENOLEUKODYSTROPHY/INFANTILE REFSUM DISEASE); INFANTILE PHYTANIC ACID STORAGE DISEASE; PEROXISOME BIOGENESIS DISORDER (NALD/IRD); ADRENOLEUKODYSTROPHY, AUTOSOMAL NEONATAL; Infantile Refsum disease. Identifiers: Orphanet 44, MedGen C0282527, MONDO:0011101, OMIM 601539.
Heimler syndrome 1 (HMLR1). Also called: PEROXISOME BIOGENESIS DISORDER 1C. Identifiers: Orphanet 3220, MedGen C4551980, OMIM 234580, MONDO:0024544.
Peroxisome biogenesis disorder 1A (Zellweger) (PBD1A). Also called: Zellweger leukodystrophy; Peroxisome biogenesis disorder 1a. Identifiers: MedGen C4721541, MONDO:0008953, OMIM 214100.

Allele frequency attached by ClinVar (database versions not stated): gnomAD 0.00001; gnomAD exomes 0.00001 and 0.00002; TOPMed 0.00002.
gnomAD v4.1: 19 of 1,613,266 alleles (0.0012%); highest among the groups gnomAD compares: Admixed American, 0.0017%; no homozygotes.

Submissions (7):

PreventionGenetics, part of Exact Sciences
Classification: Uncertain significance for PEX1-related condition. Last evaluated: 2025-12-04. Review status: criteria provided, single submitter. Criteria: ACMG Guidelines, 2015. Collection method: clinical testing. Allele origin: germline.
Comment: The PEX1 c.2926+4A>G variant is predicted to interfere with splicing. This variant is predicted to impact splicing based on splicing prediction programs (SpliceAI, Jaganathan K, et al. 2019. PubMed ID: 30661751). However, the use of computer prediction programs is not equivalent to functional evidence. To our knowledge, this variant has not been reported in the literature. This variant is reported in 0.0028% of alleles in individuals of Latino descent in gnomAD. At this time, the clinical significance of this variant is uncertain due to the absence of conclusive functional and genetic evidence.

GeneDx
Classification: Uncertain significance. Last evaluated: 2024-12-10. Review status: criteria provided, single submitter. Criteria: GeneDx Variant Classification Process June 2021. Collection method: clinical testing. Allele origin: germline. Affected: yes.
Comment: Not observed at significant frequency in large population cohorts (gnomAD); Has not been previously published as pathogenic or benign to our knowledge; In silico analysis suggests this variant may impact gene splicing. In the absence of RNA/functional studies, the actual effect of this sequence change is unknown.

Women's Health and Genetics/Laboratory Corporation of America, LabCorp
Classification: Uncertain significance. Last evaluated: 2024-11-04. Review status: criteria provided, single submitter. Criteria: LabCorp Variant Classification Summary - May 2015. Collection method: clinical testing. Allele origin: germline.

Department of Pathology and Laboratory Medicine, Sinai Health System
Classification: Uncertain significance for peroxisome biogenesis disorder. Last evaluated: 2023-05-31. Review status: criteria provided, single submitter. Criteria: ACMG Guidelines, 2015. Collection method: research. Allele origin: germline.

Labcorp Genetics (formerly Invitae), Labcorp
Classification: Uncertain significance for Zellweger spectrum disorders. Last evaluated: 2022-10-13. Review status: criteria provided, single submitter. Criteria: Invitae Variant Classification Sherloc (09022015). Collection method: clinical testing. Allele origin: germline.
Comment: This sequence change falls in intron 18 of the PEX1 gene. It does not directly change the encoded amino acid sequence of the PEX1 protein. It affects a nucleotide within the consensus splice site. This variant is present in population databases (rs749060853, gnomAD 0.006%). This variant has not been reported in the literature in individuals affected with PEX1-related conditions. ClinVar contains an entry for this variant (Variation ID: 963178). Variants that disrupt the consensus splice site are a relatively common cause of aberrant splicing (PMID: 17576681, 9536098). Algorithms developed to predict the effect of sequence changes on RNA splicing suggest that this variant may create or strengthen a splice site. In summary, the available evidence is currently insufficient to determine the role of this variant in disease. Therefore, it has been classified as a Variant of Uncertain Significance.

Fulgent Genetics
Classification: Uncertain significance for Peroxisome biogenesis disorder 1A (Zellweger); Heimler syndrome 1; Peroxisome biogenesis disorder 1B. Last evaluated: 2022-04-28. Review status: criteria provided, single submitter. Criteria: ACMG Guidelines, 2015. Collection method: clinical testing. Allele origin: unknown.

Natera, Inc.
Classification: Uncertain significance for Zellweger syndrome. Last evaluated: 2018-07-24. Review status: no assertion criteria provided. Collection method: clinical testing. Allele origin: germline. Not counted in ClinVar's aggregate classification.

Literature cited by the submitters: PubMed 17576681 (cited by Labcorp Genetics (formerly Invitae), Labcorp); PubMed 9536098 (cited by Labcorp Genetics (formerly Invitae), Labcorp).

NM_000466.3(PEX1):c.2926+4A>G

Genes: GATAD1 (GATA zinc finger domain containing 1; plus strand), PEX1 (peroxisomal biogenesis factor 1; minus strand). Cytogenetic location: 7q21.2.
Variant type: single nucleotide variant.
Coding change: c.2926+4A>G on transcript NM_000466.3 (MANE Select); 4 bases into the intron after coding-DNA position 2926, A replaced by G.
Molecular consequence: intron variant.
Genome position (GRCh38, 1-based): chr7:92,494,483, T>C on the plus strand (A>G on the coding strand, the complement: PEX1 is on the minus strand). VCF-style: chr7-92494483-T-C. GRCh37 (hg19) VCF-style: chr7-92123797-T-C.
Other names: c.2755+4A>G (NM_001282677.2); c.2302+4A>G (NM_001282678.2).
Identifiers: ClinVar variation 963178 (VCV000963178.13), dbSNP rs749060853, ClinGen allele CA161955657.